The following is an entry in ClinVar:

NC_000003.12:g.(?_10052377)_(10150035_?)dup

Genes: BRK1 (BRICK1 subunit of SCAR/WAVE actin nucleating complex; plus strand), FANCD2 (FA complementation group D2; plus strand), FANCD2OS (FANCD2 opposite strand; minus strand), VHL (von Hippel-Lindau tumor suppressor; plus strand). Cytogenetic location: 3p25.3.
Variant type: Duplication.
Identifiers: ClinVar variation 833348 (VCV000833348.1).

ClinVar aggregate classification (germline): Uncertain significance (1 of 4 stars; one submission).

Conditions:
Chuvash polycythemia. Also called: POLYCYTHEMIA, VHL-DEPENDENT. Identifiers: Orphanet 238557, MedGen C1837915, MONDO:0009892, OMIM 263400.
Von Hippel-Lindau syndrome (VHLS). Also called: Von Hippel-Lindau; VHL syndrome; von Hippel–Lindau syndrome. Identifiers: Orphanet 892, MedGen C0019562, MONDO:0008667, OMIM 193300. Disease mechanism: loss of function.

Submission:

Labcorp Genetics (formerly Invitae), Labcorp
Classification: Uncertain significance for Von Hippel-Lindau syndrome; Erythrocytosis, familial, 2. Last evaluated: 2019-09-30. Review status: criteria provided, single submitter. Criteria: Invitae Variant Classification Sherloc (09022015). Collection method: clinical testing. Allele origin: germline.
Comment: This variant results in a copy number gain of the genomic region encompassing the full coding sequence of the VHL gene. The boundaries of this event are unknown as they extend beyond the assayed region for this gene and therefore may encompass additional genes. As the precise location of this event is unknown, it may be in tandem or it may be located elsewhere in the genome. This variant has not been reported in the literature in individuals with VHL-related conditions. In summary, the available evidence is currently insufficient to determine the role of this variant in disease. Therefore, it has been classified as a Variant of Uncertain Significance.